The following is an entry in ClinVar:

NM_000059.4(BRCA2):c.6491_6495del (p.Gln2164fs)

Gene: BRCA2 (BRCA2 DNA repair associated; plus strand). Cytogenetic location: 13q13.1.
Variant type: Deletion.
Coding change: c.6491_6495del on transcript NM_000059.4 (MANE Select); coding-DNA positions 6491 to 6495, 5 bases deleted (AGTTG; older notation c.6491_6495delAGTTG).
Protein change: p.Gln2164fs; shifts the reading frame from glutamine 2164.
Molecular consequence: frameshift variant.
Genome position (GRCh38, 1-based): chr13:32,340,846-32,340,850, AGTTG deleted. VCF-style (leftmost placement, unchanged base first): chr13-32340845-CAGTTG-C. GRCh37 (hg19) VCF-style: chr13-32914982-CAGTTG-C.
Other names: c.6491_6495delAGTTG (NM_000059.3); short protein forms Q2164fs.
Identifiers: ClinVar variation 52117 (VCV000052117.3), dbSNP rs397507863, ClinGen allele CA024113.
Genomic context (GRCh38, chr13:32,340,845, plus strand): 5'-GAAAATAATCACTCTATTAAAGTTTCTCCATATCTCTCTCAATTTCAACAAGACAAACAA[CAGTTG>C]GTATTAGGAACCAAAGTGTCACTTGTTGAGAACATTCATGTTTTGGGAAAAGAACAGGCT-3'

ClinVar aggregate classification (germline): Pathogenic. Review status: reviewed by expert panel (3 of 4 stars). 2 submissions from 2 submitters: Pathogenic (1). 1 of the submissions does not count toward it. Last evaluated 2017-12-15.

Conditions:
Breast-ovarian cancer, familial, susceptibility to, 2 (BROVCA2). Also called: BRCA2 Hereditary Breast and Ovarian Cancer. Identifiers: Orphanet 145, MedGen C2675520, MONDO:0012933, OMIM 612555. Disease mechanism: loss of function.
Familial cancer of breast. Also called: BREAST CANCER, FAMILIAL; Hereditary breast cancer; hereditary breast carcinoma. Identifiers: Orphanet 227535, MedGen C0346153, MONDO:0016419, OMIM 114480. Disease mechanism: loss of function.

Submissions (2):

Evidence-based Network for the Interpretation of Germline Mutant Alleles (ENIGMA)
Classification: Pathogenic for Breast-ovarian cancer, familial, susceptibility to, 2. Last evaluated: 2017-12-15. Review status: reviewed by expert panel. Criteria: ENIGMA BRCA1/2 Classification Criteria (2017-06-29). Collection method: curation. Allele origin: germline. Study: ENIGMA.
Comment: Variant allele predicted to encode a truncated non-functional protein.

ClinVar Staff, National Center for Biotechnology Information (NCBI)
No classification provided. Condition: Familial cancer of breast. Review status: no classification provided. Collection method: literature only. Allele origin: germline. Affected: yes. Not counted in ClinVar's aggregate classification.

Literature cited by the submitters: PubMed 12624724 (cited by ClinVar Staff, National Center for Biotechnology Information (NCBI)).